The following is an entry in ClinVar:

ClinVar aggregate classification (germline): Pathogenic (1 of 4 stars; one submission).

Submission:

Labcorp Genetics (formerly Invitae), Labcorp
Classification: Pathogenic. Last evaluated: 2023-11-27. Review status: criteria provided, single submitter. Criteria: Invitae Variant Classification Sherloc (09022015). Collection method: clinical testing. Allele origin: unknown.
Comment: This variant is a gross deletion of the genomic region encompassing exon(s) 1-4 of the IMPDH1 gene, which includes the initiator codon. This deletion extends beyond the assayed region for this gene and therefore may encompass additional genes. It is expected to result in an absent or disrupted protein product. Loss-of-function variants in IMPDH1 are known to be pathogenic (PMID: 14981049, 33090715). This variant has not been reported in the literature in individuals affected with IMPDH1-related conditions. For these reasons, this variant has been classified as Pathogenic.

Literature cited by the submitters: PubMed 14981049; PubMed 33090715.

NC_000007.13:g.(?_128045801)_(128049955_?)del

Gene: IMPDH1 (inosine monophosphate dehydrogenase 1; minus strand). Cytogenetic location: 7q32.1.
Variant type: Deletion.
Identifiers: ClinVar variation 3245856 (VCV003245856.1).